The following is an entry in ClinVar:

ClinVar aggregate classification (germline): Conflicting classifications of pathogenicity. Review status: criteria provided, conflicting classifications (1 of 4 stars). 3 submissions from 3 submitters: Uncertain significance (2); Likely benign (1). Last evaluated 2024-05-14.

Conditions:
BRCA2-related cancer predisposition. Identifiers: MedGen CN377758, MONDO:0700269.
Hereditary breast ovarian cancer syndrome. Also called: Hereditary breast and/or ovarian cancer syndrome; Hereditary breast and ovarian cancer syndrome; Hereditary breast and ovarian cancer; Hereditary breast and ovarian cancer syndrome (HBOC); Breast and ovarian cancer; BRCA1- and BRCA2-Associated Hereditary Breast and Ovarian Cancer. Identifiers: Orphanet 145, MedGen C0677776, MeSH D061325, MONDO:0003582. Disease mechanism: loss of function.
Hereditary cancer-predisposing syndrome. Also called: Hereditary neoplastic syndrome; Neoplastic Syndromes, Hereditary; Tumor predisposition; Hereditary Cancer Syndrome. Identifiers: Orphanet 140162, MedGen C0027672, MeSH D009386, MONDO:0015356.

Submissions (3):

All of Us Research Program, National Institutes of Health
Classification: Uncertain significance for BRCA2-related cancer predisposition. Last evaluated: 2024-05-14. Review status: criteria provided, single submitter. Criteria: ACMG Guidelines, 2015. Collection method: clinical testing. Allele origin: germline. Inheritance: Autosomal dominant inheritance. Observed: 1 variant allele, 1 heterozygote.
Comment: This missense variant replaces aspartic acid with valine at codon 596 of the BRCA2 protein. Computational prediction suggests that this variant may not impact protein structure and function (internally defined REVEL score threshold <= 0.5, PMID: 27666373). To our knowledge, functional studies have not been reported for this variant. This variant has not been reported in individuals affected with BRCA2-related disorders in the literature. This variant has not been identified in the general population by the Genome Aggregation Database (gnomAD). The available evidence is insufficient to determine the role of this variant in disease conclusively. Therefore, this variant is classified as a Variant of Uncertain Significance.

This study involves interpretation of variants in research participants for the purpose of population health screening. Participant phenotype was not available at the time of variant classification. Additional details can be found in publication PMID: 35346344, PMCID: PMC8962531

Labcorp Genetics (formerly Invitae), Labcorp
Classification: Uncertain significance for Hereditary breast ovarian cancer syndrome. Last evaluated: 2023-07-17. Review status: criteria provided, single submitter. Criteria: Invitae Variant Classification Sherloc (09022015). Collection method: clinical testing. Allele origin: germline.
Comment: In summary, the available evidence is currently insufficient to determine the role of this variant in disease. Therefore, it has been classified as a Variant of Uncertain Significance. Advanced modeling of protein sequence and biophysical properties (such as structural, functional, and spatial information, amino acid conservation, physicochemical variation, residue mobility, and thermodynamic stability) performed at Invitae indicates that this missense variant is not expected to disrupt BRCA2 protein function. ClinVar contains an entry for this variant (Variation ID: 940904). This variant has not been reported in the literature in individuals affected with BRCA2-related conditions. This variant is not present in population databases (gnomAD no frequency). This sequence change replaces aspartic acid, which is acidic and polar, with valine, which is neutral and non-polar, at codon 596 of the BRCA2 protein (p.Asp596Val).

University of Washington Department of Laboratory Medicine, University of Washington
Classification: Likely benign for Hereditary cancer-predisposing syndrome. Last evaluated: 2023-03-23. Review status: criteria provided, single submitter. Criteria: Dines et al. (Genet Med. 2020). Collection method: curation. Allele origin: germline.
Comment: Missense variant in a coldspot region where missense variants are very unlikely to be pathogenic (PMID:31911673).

BRCA2 exon 10 coldspot. Reclassification based on statistical prior probability.

NM_000059.4(BRCA2):c.1787A>T (p.Asp596Val)

Gene: BRCA2 (BRCA2 DNA repair associated; plus strand). Cytogenetic location: 13q13.1.
Variant type: single nucleotide variant.
Coding change: c.1787A>T on transcript NM_000059.4 (MANE Select); coding-DNA position 1787, A replaced by T.
Protein change: p.Asp596Val; replaces aspartic acid 596 with valine.
Molecular consequence: missense variant.
Genome position (GRCh38, 1-based): chr13:32,333,265, A>T. VCF-style: chr13-32333265-A-T. GRCh37 (hg19) VCF-style: chr13-32907402-A-T.
Other names: short protein forms D596V.
Identifiers: ClinVar variation 940904 (VCV000940904.12), dbSNP rs2072422145, ClinGen allele CA387765738.